The following is an entry in ClinVar:

NM_001457.4(FLNB):c.4065C>T (p.Gly1355=)

Gene: FLNB (filamin B; plus strand). Cytogenetic location: 3p14.3.
Variant type: single nucleotide variant.
Coding change: c.4065C>T on transcript NM_001457.4 (MANE Select); coding-DNA position 4065, C replaced by T.
Protein change: p.Gly1355=; no amino-acid change (glycine 1355 retained).
Molecular consequence: synonymous variant.
Genome position (GRCh38, 1-based): chr3:58,126,605, C>T. VCF-style: chr3-58126605-C-T. GRCh37 (hg19) VCF-style: chr3-58112332-C-T.
Other names: c.4065C>T, p.Gly1355= (NM_001164317.2, NM_001164318.2, NM_001164319.2).
Identifiers: ClinVar variation 1633916 (VCV001633916.23), dbSNP rs546064619, ClinGen allele CA2468651.

ClinVar aggregate classification (germline): Likely benign. Review status: criteria provided, multiple submitters, no conflicts (2 of 4 stars). 3 submissions from 3 submitters: Likely benign (3). Last evaluated 2025-09-21.

Allele frequency attached by ClinVar (database versions not stated): gnomAD 0.00003; gnomAD exomes 0.00009 and 0.00019; ExAC 0.00018; 1000 Genomes Project 0.00020; 1000 Genomes Project 30x 0.00031.
gnomAD v4.1: 135 of 1,613,806 alleles (0.0084%); highest among the groups gnomAD compares: South Asian, 0.14%; 1 homozygote.

Submissions (4):

Labcorp Genetics (formerly Invitae), Labcorp
Classification: Likely benign. Last evaluated: 2025-09-21. Review status: criteria provided, single submitter. Criteria: Invitae Variant Classification Sherloc (09022015). Collection method: clinical testing. Allele origin: germline.

CeGaT Center for Human Genetics Tuebingen
Classification: Likely benign. Last evaluated: 2024-12-01. Review status: criteria provided, single submitter. Criteria: CeGaT Center For Human Genetics Tuebingen Variant Classification Criteria Version 2. Collection method: clinical testing. Allele origin: germline. Affected: yes. Observed: 1 variant allele.
Comment: FLNB: BP4, BP7

Blueprint Genetics
Classification: Likely benign. Last evaluated: 2024-08-12. Review status: criteria provided, single submitter. Criteria: ACMG Guidelines, 2015. Collection method: clinical testing. Allele origin: germline.

Dr. Peter K. Rogan Lab, Western University
No classification provided (evidence only). Condition: Hepatocellular carcinoma. Review status: no classification provided. Collection method: in vitro. Allele origin: not applicable. Functional consequence: retained intron. Not counted in ClinVar's aggregate classification.